The following is an entry in ClinVar:

NM_002855.5(NECTIN1):c.1347C>T (p.Gly449=)

Gene: NECTIN1 (nectin cell adhesion molecule 1; minus strand). Cytogenetic location: 11q23.3.
Variant type: single nucleotide variant.
Coding change: c.1347C>T on transcript NM_002855.5 (MANE Select); coding-DNA position 1347, C replaced by T.
Protein change: p.Gly449=; no amino-acid change (glycine 449 retained).
Molecular consequence: synonymous variant. On other transcripts: intron variant (1).
Genome position (GRCh38, 1-based): chr11:119,664,954, G>A on the plus strand (C>T on the coding strand, the complement: NECTIN1 is on the minus strand). VCF-style: chr11-119664954-G-A. GRCh37 (hg19) VCF-style: chr11-119535664-G-A.
Other names: c.1003+10205C>T (NM_203285.2).
Identifiers: ClinVar variation 716974 (VCV000716974.16), dbSNP rs116441631, ClinGen allele CA6321808.
Genomic context (GRCh38, chr11:119,664,954, plus strand): 5'-GAAGTAGGGCCGCTTGGCGTCCTCGTCATATTTGGGGTGGGGGCCGCCCACCTTGCGCTC[G>A]CCCCCTCCACCGCCCTCCTCCTCCTCCTCCTCCTCCTCATAGCTGCTTCCACCCAGTGGG-3'
Protein context (NP_002846.3, residues 439-459): EEEEEEGGGG[Gly449=]ERKVGGPHPK

ClinVar aggregate classification (germline): Conflicting classifications of pathogenicity. Review status: criteria provided, conflicting classifications (1 of 4 stars). 3 submissions from 3 submitters: Uncertain significance (1); Benign (1). 1 of the submissions does not count toward it. Last evaluated 2025-12-16.

Conditions:
Cleft lip/palate-ectodermal dysplasia syndrome (CLPED1). Also called: Zlotogora syndrome; ECTODERMAL DYSPLASIA, CLEFT LIP AND PALATE, MENTAL RETARDATION, AND SYNDACTYLY; ECTODERMAL DYSPLASIA, MARGARITA ISLAND TYPE; ECTODERMAL DYSPLASIA, TYPE 4; ZLOTOGORA-OGUR SYNDROME. Identifiers: Orphanet 3253, MedGen C2931488, MONDO:0009151, OMIM 225060.
NECTIN1-related disorder. Also called: NECTIN1-related condition.

Allele frequency attached by ClinVar (database versions not stated): ExAC 0.00178; 1000 Genomes Project 0.00459; 1000 Genomes Project 30x 0.00500; TOPMed 0.00609; ESP Exome Variant Server 0.00662.
gnomAD v4.1: 1,804 of 1,613,242 alleles (0.11%); highest among the groups gnomAD compares: African/African-American, 1.8%; 16 homozygotes.

Submissions (3):

Labcorp Genetics (formerly Invitae), Labcorp
Classification: Benign. Last evaluated: 2025-12-16. Review status: criteria provided, single submitter. Criteria: Invitae Variant Classification Sherloc (09022015). Collection method: clinical testing. Allele origin: germline.

Illumina Laboratory Services, Illumina
Classification: Uncertain significance for Cleft lip/palate-ectodermal dysplasia syndrome. Last evaluated: 2018-01-13. Review status: criteria provided, single submitter. Criteria: ICSL Variant Classification Criteria 13 December 2019. Collection method: clinical testing. Allele origin: germline.

PreventionGenetics, part of Exact Sciences
Classification: Benign for NECTIN1-related condition. Last evaluated: 2019-10-22. Review status: no assertion criteria provided. Collection method: clinical testing. Allele origin: germline. Not counted in ClinVar's aggregate classification.
Comment: This variant is classified as benign based on ACMG/AMP sequence variant interpretation guidelines (Richards et al. 2015 PMID: 25741868, with internal and published modifications).